The following is an entry in ClinVar:

NM_002198.3(IRF1):c.718-86G>T

Gene: IRF1 (interferon regulatory factor 1; minus strand). Cytogenetic location: 5q31.1.
Variant type: single nucleotide variant.
Coding change: c.718-86G>T on transcript NM_002198.3 (MANE Select); 86 bases into the intron before coding-DNA position 718, G replaced by T.
Molecular consequence: intron variant.
Genome position (GRCh38, 1-based): chr5:132,484,583, C>A on the plus strand (G>T on the coding strand, the complement: IRF1 is on the minus strand). VCF-style: chr5-132484583-C-A. GRCh37 (hg19) VCF-style: chr5-131820275-C-A.
Other names: c.595-86G>T (NM_001354924.1); c.668-508G>T (NM_001354925.1).
Identifiers: ClinVar variation 2688403 (VCV002688403.2), dbSNP rs2070727, ClinGen allele CA12150434.
Genomic context (GRCh38, chr5:132,484,583, plus strand): 5'-TCAACTCCCTTCCAGTGCAGACTCACCCTGTGGCCCTGCCCTCAATGAGCCAGCTCCTCT[C>A]AGCCAGTATCACACCCTTGGCCATTTTCACAATCTCAGATAGGATGCAGAAGTGCACTGC-3'

ClinVar aggregate classification (germline): Benign (1 of 4 stars; one submission).

Allele frequency attached by ClinVar (database versions not stated): gnomAD exomes 0.34090; gnomAD 0.37919; TOPMed 0.38132; 1000 Genomes Project 30x 0.40287; 1000 Genomes Project 0.40615.
gnomAD v4.1: 533,929 of 1,548,172 alleles (34%); highest among the groups gnomAD compares: African/African-American, 49%; 93,407 homozygotes.

Submission:

Unidad de Genómica Garrahan, Hospital de Pediatría Garrahan
Classification: Benign. Last evaluated: 2024-01-24. Review status: criteria provided, single submitter. Criteria: ACMG Guidelines, 2015. Collection method: clinical testing. Allele origin: germline. Affected: no. Observed: 50 variant alleles.
Comment: This variant is classified as Benign based on local population frequency. This variant was detected in 57% of patients studied by a panel of primary immunodeficiencies. Number of patients: 50. Only high quality variants are reported.